The following is an entry in ClinVar:

ClinVar aggregate classification (germline): Conflicting classifications of pathogenicity. Review status: criteria provided, conflicting classifications (1 of 4 stars). 4 submissions from 4 submitters: Pathogenic (2); Likely pathogenic (1); Uncertain significance (1). Last evaluated 2025-09-11.

Conditions:
Fumarase deficiency (FMRD). Also called: Fumarate Hydratase Deficiency; Fumaric aciduria. Identifiers: Orphanet 24, MedGen C0342770, MONDO:0011730, OMIM 606812.
Hereditary cancer-predisposing syndrome. Also called: Tumor predisposition; Neoplastic Syndromes, Hereditary; Hereditary Cancer Syndrome; Hereditary neoplastic syndrome. Identifiers: Orphanet 140162, MedGen C0027672, MeSH D009386, MONDO:0015356.

Allele frequency attached by ClinVar (database versions not stated): gnomAD exomes below 0.00001.
gnomAD v4.1: 1 of 1,606,300 alleles (0.000062%); highest among the groups gnomAD compares: East Asian, 0.0022%; no homozygotes.

Submissions (4):

Women's Health and Genetics/Laboratory Corporation of America, LabCorp
Classification: Pathogenic for Fumarase deficiency. Last evaluated: 2025-09-11. Review status: criteria provided, single submitter. Criteria: LabCorp Variant Classification Summary - May 2015. Collection method: clinical testing. Allele origin: germline.
Comment: Variant summary: FH c.1274A>T (p.Asp425Val) results in a non-conservative amino acid change in the encoded protein sequence. Algorithms developed to predict the effect of missense changes on protein structure and function all suggest that this variant is likely to be disruptive. The variant was absent in 251222 control chromosomes. c.1274A>T has been observed in multiple homozygous individuals affected with Fumarate Hydratase Deficiency (Coughlin_1998, Vara_2014). These data indicate that the variant is very likely to be associated with disease. At least one publication reports experimental evidence evaluating an impact on protein function. The most pronounced variant effect results in <15% of normal activity in patient cells (Coughlin_1998). The following publications have been ascertained in the context of this evaluation (PMID: 9635293, 22922375). ClinVar contains an entry for this variant (Variation ID: 2675692). Based on the evidence outlined above, the variant was classified as pathogenic.

Ambry Genetics
Classification: Uncertain significance for Hereditary cancer-predisposing syndrome. Last evaluated: 2025-01-14. Review status: criteria provided, single submitter. Criteria: Ambry Variant Classification Scheme 2023. Collection method: clinical testing. Allele origin: germline.
Comment: The p.D425V variant (also known as c.1274A>T), located in coding exon 9 of the FH gene, results from an A to T substitution at nucleotide position 1274. The aspartic acid at codon 425 is replaced by valine, an amino acid with highly dissimilar properties. This variant has been identified in the homozygous state in individuals diagnosed with Fumarase hydratase deficiency (Coughlin EM et al. Mol Genet Metab, 1998 Apr;63:254-62; Vara R et al. J Pediatr Gastroenterol Nutr, 2014 Mar;58:e32-4). This variant is considered to be rare based on population cohorts in the Genome Aggregation Database (gnomAD). This amino acid position is highly conserved in available vertebrate species. In addition, this alteration is predicted to be deleterious by in silico analysis. Based on the supporting evidence, this alteration is Likely Pathogenic for Fumarase hydratase deficiency (FHD); however, the association of this alteration with Hereditary leiomyomatosis and renal cell cancer (HLRCC) is unknown.

Labcorp Genetics (formerly Invitae), Labcorp
Classification: Pathogenic. Last evaluated: 2024-05-08. Review status: criteria provided, single submitter. Criteria: Invitae Variant Classification Sherloc (09022015). Collection method: clinical testing. Allele origin: germline.
Comment: This sequence change replaces aspartic acid, which is acidic and polar, with valine, which is neutral and non-polar, at codon 425 of the FH protein (p.Asp425Val). This variant is not present in population databases (gnomAD no frequency). This missense change has been observed in individual(s) with autosomal recessive fumarase deficiency (PMID: 9635293). It has also been observed to segregate with disease in related individuals. Advanced modeling of protein sequence and biophysical properties (such as structural, functional, and spatial information, amino acid conservation, physicochemical variation, residue mobility, and thermodynamic stability) performed at Invitae indicates that this missense variant is expected to disrupt FH protein function with a positive predictive value of 95%. For these reasons, this variant has been classified as Pathogenic.

Baylor Genetics
Classification: Likely pathogenic for Fumarase deficiency. Last evaluated: 2022-01-13. Review status: criteria provided, single submitter. Criteria: ACMG Guidelines, 2015. Collection method: clinical testing. Allele origin: unknown.

Literature cited by the submitters: PubMed 9635293 (cited by 3 submitters); PubMed 22922375 (cited by Women's Health and Genetics/Laboratory Corporation of America, LabCorp and Ambry Genetics).

NM_000143.4(FH):c.1274A>T (p.Asp425Val)

Gene: FH (fumarate hydratase; minus strand). Cytogenetic location: 1q43.
Variant type: single nucleotide variant.
Coding change: c.1274A>T on transcript NM_000143.4 (MANE Select); coding-DNA position 1274, A replaced by T.
Protein change: p.Asp425Val; replaces aspartic acid 425 with valine.
Molecular consequence: missense variant.
Genome position (GRCh38, 1-based): chr1:241,500,553, T>A on the plus strand (A>T on the coding strand, the complement: FH is on the minus strand). VCF-style: chr1-241500553-T-A. GRCh37 (hg19) VCF-style: chr1-241663853-T-A.
Other names: short protein forms D425V.
Identifiers: ClinVar variation 2675692 (VCV002675692.5), dbSNP rs1038324354, ClinGen allele CA345436809.
Genomic context (GRCh38, chr1:241,500,553, plus strand): 5'-ATCCTTTCTGTATTGGCCTGGATTCCCACCACGCAGTTTTCTGTAAAGGAAACTGAAGCA[T>A]CCCCCAGCAGCCTGGCTGAGTGTAACACATTTTTAATCTTTGAGTGAGTGAGAGAGAGAG-3'
Protein context (NP_000134.2, residues 415-435): NVLHSARLLG[Asp425Val]ASVSFTENCV